The following is an entry in ClinVar:

NM_003480.4(MFAP5):c.360C>G (p.Asn120Lys)

Gene: MFAP5 (microfibril associated protein 5; minus strand). Cytogenetic location: 12p13.31.
Variant type: single nucleotide variant.
Coding change: c.360C>G on transcript NM_003480.4 (MANE Select); coding-DNA position 360, C replaced by G.
Protein change: p.Asn120Lys; replaces asparagine 120 with lysine.
Molecular consequence: missense variant. On other transcripts: non-coding transcript variant (2), intron variant (1).
Genome position (GRCh38, 1-based): chr12:8,649,550, G>C on the plus strand (C>G on the coding strand, the complement: MFAP5 is on the minus strand). VCF-style: chr12-8649550-G-C. GRCh37 (hg19) VCF-style: chr12-8802146-G-C.
Other names: c.330C>G, p.Asn110Lys (NM_001297709.2); c.294C>G, p.Asn98Lys (NM_001297710.2); c.285C>G, p.Asn95Lys (NM_001297711.2); c.218-1347C>G (NM_001297712.2); short protein forms N110K, N95K, N98K, N120K.
Identifiers: ClinVar variation 2767464 (VCV002767464.3), dbSNP rs756712055, ClinGen allele CA6434598.

ClinVar aggregate classification (germline): Uncertain significance (1 of 4 stars; one submission).

Allele frequency attached by ClinVar (database versions not stated): gnomAD exomes below 0.00001; ExAC 0.00001.
gnomAD v4.1: 4 of 1,614,032 alleles (0.00025%); highest among the groups gnomAD compares: Non-Finnish European, 0.00034%; no homozygotes.

Submission:

Labcorp Genetics (formerly Invitae), Labcorp
Classification: Uncertain significance. Last evaluated: 2023-10-10. Review status: criteria provided, single submitter. Criteria: Invitae Variant Classification Sherloc (09022015). Collection method: clinical testing. Allele origin: germline.
Comment: This sequence change replaces asparagine, which is neutral and polar, with lysine, which is basic and polar, at codon 120 of the MFAP5 protein (p.Asn120Lys). This variant is present in population databases (rs756712055, gnomAD 0.0009%). This variant has not been reported in the literature in individuals affected with MFAP5-related conditions. An algorithm developed to predict the effect of missense changes on protein structure and function (PolyPhen-2) suggests that this variant is likely to be disruptive. In summary, the available evidence is currently insufficient to determine the role of this variant in disease. Therefore, it has been classified as a Variant of Uncertain Significance.